The following is an entry in ClinVar:

NM_001354930.2(RIPK1):c.1427C>G (p.Thr476Arg)

Gene: RIPK1 (receptor interacting serine/threonine kinase 1; plus strand). Cytogenetic location: 6p25.2.
Variant type: single nucleotide variant.
Coding change: c.1427C>G on transcript NM_001354930.2 (MANE Select); coding-DNA position 1427, C replaced by G.
Protein change: p.Thr476Arg; replaces threonine 476 with arginine.
Molecular consequence: missense variant.
Genome position (GRCh38, 1-based): chr6:3,105,902, C>G. VCF-style: chr6-3105902-C-G. GRCh37 (hg19) VCF-style: chr6-3106136-C-G.
Other names: c.938C>G, p.Thr313Arg (NM_001317061.3, NM_001354932.2, NM_001354933.2 and 1 more transcripts); c.1289C>G, p.Thr430Arg (NM_001354931.2); c.1427C>G, p.Thr476Arg (NM_003804.6); short protein forms T313R, T430R, T476R.
Identifiers: ClinVar variation 3612669 (VCV003612669.2).

ClinVar aggregate classification (germline): Uncertain significance (1 of 4 stars; one submission).

gnomAD v4.1: 37 of 1,614,150 alleles (0.0023%); highest among the groups gnomAD compares: Non-Finnish European, 0.0031%; no homozygotes.

Submission:

Labcorp Genetics (formerly Invitae), Labcorp
Classification: Uncertain significance. Last evaluated: 2024-12-23. Review status: criteria provided, single submitter. Criteria: Invitae Variant Classification Sherloc (09022015). Collection method: clinical testing. Allele origin: germline.
Comment: This sequence change replaces threonine, which is neutral and polar, with arginine, which is basic and polar, at codon 476 of the RIPK1 protein (p.Thr476Arg). This variant is present in population databases (rs769415041, gnomAD 0.002%). This variant has not been reported in the literature in individuals affected with RIPK1-related conditions. An algorithm developed to predict the effect of missense changes on protein structure and function (PolyPhen-2) suggests that this variant is likely to be tolerated. In summary, the available evidence is currently insufficient to determine the role of this variant in disease. Therefore, it has been classified as a Variant of Uncertain Significance.